The following is an entry in ClinVar:

ClinVar aggregate classification (germline): Pathogenic (1 of 4 stars; one submission).

Conditions:
Cardiomyopathy (CMYO). Also called: Cardiomyopathies. Identifiers: Orphanet 167848, MedGen C0878544, MONDO:0004994, HP:0001638. Inheritance: Various modes of inheritance.

Submission:

GeneDx
Classification: Pathogenic for Cardiomyopathy. Last evaluated: 2012-12-19. Review status: criteria provided, single submitter. Criteria: GeneDx Variant Classification (06012015). Collection method: clinical testing. Allele origin: germline. Affected: yes.
Comment: c.3302_3303delCA: p.Thr1101SerfsX47 (T1101SfsX47) in exon 30 of the MYBPC3 gene (NM_000256.3). The normal sequence with the bases that are deleted in braces is: TACA{CA}GTGC.Although the c.3302_3303delCA mutation in the MYBPC3 gene has not been reported to our knowledge, this mutation causes a shift in reading frame starting at codon Threonine 1101, changing it to a Serine, and creating a premature stop codon at position 47 of the new reading frame, denoted p.Thr1101SerfsX47. This mutation is expected to result in either an abnormal, truncated protein product or loss of protein from this allele through nonsense-mediated mRNA decay. Other frameshift mutations in the MYBPC3 gene have been reported in association with HCM. In summary, c.3302_3303delCA in the MYBPC3 gene is interpreted as a disease-causing mutation. The variant is found in HCM panel(s).

NM_000256.3(MYBPC3):c.3302_3303del (p.Thr1101fs)

Gene: MYBPC3 (myosin binding protein C3; minus strand). Cytogenetic location: 11p11.2.
Variant type: Microsatellite.
Coding change: c.3302_3303del on transcript NM_000256.3 (MANE Select); coding-DNA positions 3302 to 3303, 2 bases deleted (CA; older notation c.3302_3303delCA).
Protein change: p.Thr1101fs; shifts the reading frame from threonine 1101.
Molecular consequence: frameshift variant.
Genome position (GRCh38, 1-based): chr11:47,333,221-47,333,222, TG deleted on the plus strand (CA on the coding strand, the reverse complement: MYBPC3 is on the minus strand); deleting any 2 consecutive bases within chr11:47,333,221-47,333,225 gives the same sequence; the c. name uses the placement nearest the transcript's 3' end. VCF-style (leftmost placement, unchanged base first): chr11-47333220-CTG-C. GRCh37 (hg19) VCF-style: chr11-47354771-CTG-C.
Other names: c.3302_3303delCA (NM_000256.3); short protein forms T1101fs.
Identifiers: ClinVar variation 181098 (VCV000181098.1), dbSNP rs730880671, ClinGen allele CA013844.